The following is an entry in ClinVar:

NM_001034853.2(RPGR):c.101dup (p.Asn34fs)

Gene: RPGR (retinitis pigmentosa GTPase regulator; minus strand). Cytogenetic location: Xp11.4.
Variant type: Duplication.
Coding change: c.101dup on transcript NM_001034853.2 (MANE Select); coding-DNA position 101, one base duplicated (A; older notation c.101dupA).
Protein change: p.Asn34fs; shifts the reading frame from asparagine 34.
Molecular consequence: frameshift variant. On other transcripts: non-coding transcript variant (6).
Genome position (GRCh38, 1-based): chrX:38,323,452, T duplicated on the plus strand (A on the coding strand, the reverse complement: RPGR is on the minus strand); the first of 5 consecutive T bases (chrX:38,323,452-38,323,456); duplicating any one gives the same sequence. VCF-style (leftmost placement, unchanged base first): chrX-38323451-A-AT. GRCh37 (hg19) VCF-style: chrX-38182704-A-AT.
Other names: NM_001034853.2:c.101dup; c.101dup, p.Asn34fs (NM_000328.3, NM_001367245.1, NM_001367246.1 and 4 more transcripts); c.131dup, p.Asn44fs (NM_001367248.1); short protein forms N34fs, N44fs.
Identifiers: ClinVar variation 5043500 (VCV005043500.1).
Genomic context (GRCh38, chrX:38,323,451, plus strand): 5'-ATACTAACCGGTAACAACAGCAGAATGTTCATCTCCACATGAAAGATGTACAGGGACATC[A>AT]TTTTTAAACCAGAATTTACCGGGATTATTTTCAGCAAATTTACTTTTCCCAAATGTAAAC-3'

ClinVar aggregate classification (germline): Pathogenic (3 of 4 stars; one submission).

Conditions:
RPGR-related retinopathy. Also called: RPGR retinopathy. Identifiers: MedGen CN305589, MONDO:0100437.

Submission:

ClinGen X-linked Inherited Retinal Disease Variant Curation Expert Panel, ClinGen
Classification: Pathogenic for RPGR-related retinopathy. Last evaluated: 2026-11-20. Review status: reviewed by expert panel. Criteria: ClinGen X LinkedIRD ACMG Specifications RPGR V1.0.0. Collection method: curation. Allele origin: germline. Inheritance: X-linked inheritance.
Comment: The NM_001034853.2(RPGR):c.101dup variant is a frameshift variant that introduces a premature stop codon between amino acids 1-1132 that is predicted to either trigger nonsense-mediated decay or to disrupt a critical C-terminal region required for proper glutamylation of RPGR (PVS1, PMID: 36445968). This variant is absent from hemizygous individuals in gnomAD v4.1.0 (PM2_Supporting). This variant has been reported in at least one proband (PMID: 33576794). However, the number of individuals meeting the PS4 requirement of being a male with some functional vision impairment by age 30 and/or decreased or absent ERG responses, or a female with functional visual abnormality and documentation of a male relative affected with retinitis pigmentosa was fewer than the requirement of at least 2 unrelated probands, so PS4_Supporting was not met. At least one proband harboring this variant exhibits a phenotype including decreased or absent cone and/or rod ERG/FAF response (0 points), which is specific for RPGR-related retinopathy (0 points, PMID: 33576794). The PP4 code was not met as the total points reached was below the required 4 points. The ClinGen XLIRD VCEP recommends upgrade of the final variant classification to Pathogenic based on reports that the variant cosegregated with disease in multiple affected family members (PMID: 33576794). In summary, this variant is classified as pathogenic for RPGR-related retinopathy based on the ACMG/AMP criteria applied, as specified by the ClinGen X-linked IRD VCEP: PVS1, PM2_Supporting.